The following is an entry in ClinVar:

NM_001330078.2(NRXN1):c.3190G>A (p.Asp1064Asn)

Gene: NRXN1 (neurexin 1; minus strand). Cytogenetic location: 2p16.3.
Variant type: single nucleotide variant.
Coding change: c.3190G>A on transcript NM_001330078.2 (MANE Select); coding-DNA position 3190, G replaced by A.
Protein change: p.Asp1064Asn; replaces aspartic acid 1064 with asparagine.
Molecular consequence: missense variant.
Genome position (GRCh38, 1-based): chr2:50,472,352, C>T on the plus strand (G>A on the coding strand, the complement: NRXN1 is on the minus strand). VCF-style: chr2-50472352-C-T. GRCh37 (hg19) VCF-style: chr2-50699490-C-T.
Other names: c.3124G>A, p.Asp1042Asn (NM_001330084.2, NM_001330083.2); c.3163G>A, p.Asp1055Asn (NM_001330085.2); c.3190G>A, p.Asp1064Asn (NM_001330086.2, NM_004801.6); c.3079G>A, p.Asp1027Asn (NM_001330087.2, NM_001330096.2); c.3109G>A, p.Asp1037Asn (NM_001330088.2); c.3187G>A, p.Asp1063Asn (NM_001330093.2); c.3178G>A, p.Asp1060Asn (NM_001330094.2); c.3139G>A, p.Asp1047Asn (NM_001330095.2); and 2 more; short protein forms D1055N, D1037N, D1042N, D1056N, D1027N, D1060N, D1063N, D1064N.
Identifiers: ClinVar variation 4719729 (VCV004719729.1).

ClinVar aggregate classification (germline): Uncertain significance (1 of 4 stars; one submission).

Conditions:
Pitt-Hopkins-like syndrome 2 (PTHSL2). Identifiers: Orphanet 221150, Orphanet 600663, MedGen C3280479, MONDO:0013690, OMIM 614325.

Submission:

Labcorp Genetics (formerly Invitae), Labcorp
Classification: Uncertain significance for Pitt-Hopkins-like syndrome 2. Last evaluated: 2025-05-18. Review status: criteria provided, single submitter. Criteria: Invitae Variant Classification Sherloc (09022015). Collection method: clinical testing. Allele origin: germline.
Comment: This sequence change replaces aspartic acid, which is acidic and polar, with asparagine, which is neutral and polar, at codon 1104 of the NRXN1 protein (p.Asp1104Asn). This variant is not present in population databases (gnomAD no frequency). This variant has not been reported in the literature in individuals affected with NRXN1-related conditions. An algorithm developed to predict the effect of missense changes on protein structure and function (PolyPhen-2) suggests that this variant is likely to be disruptive. In summary, the available evidence is currently insufficient to determine the role of this variant in disease. Therefore, it has been classified as a Variant of Uncertain Significance.